The following is an entry in ClinVar:

NM_002246.3(KCNK3):c.167A>T (p.Gln56Leu)

Gene: KCNK3 (potassium two pore domain channel subfamily K member 3; plus strand). Cytogenetic location: 2p23.3.
Variant type: single nucleotide variant.
Coding change: c.167A>T on transcript NM_002246.3 (MANE Select); coding-DNA position 167, A replaced by T.
Protein change: p.Gln56Leu; replaces glutamine 56 with leucine.
Molecular consequence: missense variant.
Genome position (GRCh38, 1-based): chr2:26,693,042, A>T. VCF-style: chr2-26693042-A-T. GRCh37 (hg19) VCF-style: chr2-26915910-A-T.
Other names: short protein forms Q56L.
Identifiers: ClinVar variation 1397431 (VCV001397431.6), dbSNP rs1336188397, ClinGen allele CA346261167.

ClinVar aggregate classification (germline): Uncertain significance (1 of 4 stars; one submission).

Conditions:
Pulmonary hypertension, primary, 4. Identifiers: Orphanet 422, MedGen C3809198, MONDO:0014136, OMIM 615344.

Allele frequency attached by ClinVar (database versions not stated): gnomAD exomes below 0.00001.
gnomAD v4.1: 1 of 1,598,964 alleles (0.000063%); highest among the groups gnomAD compares: Admixed American, 0.0017%; no homozygotes.

Submission:

Labcorp Genetics (formerly Invitae), Labcorp
Classification: Uncertain significance for Pulmonary hypertension, primary, 4. Last evaluated: 2024-02-24. Review status: criteria provided, single submitter. Criteria: Invitae Variant Classification Sherloc (09022015). Collection method: clinical testing. Allele origin: germline.
Comment: This sequence change replaces glutamine, which is neutral and polar, with leucine, which is neutral and non-polar, at codon 56 of the KCNK3 protein (p.Gln56Leu). This variant is present in population databases (no rsID available, gnomAD 0.003%). This variant has not been reported in the literature in individuals affected with KCNK3-related conditions. ClinVar contains an entry for this variant (Variation ID: 1397431). Advanced modeling of protein sequence and biophysical properties (such as structural, functional, and spatial information, amino acid conservation, physicochemical variation, residue mobility, and thermodynamic stability) performed at Invitae indicates that this missense variant is not expected to disrupt KCNK3 protein function with a negative predictive value of 80%. In summary, the available evidence is currently insufficient to determine the role of this variant in disease. Therefore, it has been classified as a Variant of Uncertain Significance.